The following is an entry in ClinVar:

ClinVar aggregate classification (germline): Conflicting classifications of pathogenicity. Review status: criteria provided, conflicting classifications (1 of 4 stars). 3 submissions from 3 submitters: Uncertain significance (2); Likely benign (1). Last evaluated 2025-07-03.

Conditions:
Hereditary cancer-predisposing syndrome. Also called: Neoplastic Syndromes, Hereditary; Hereditary Cancer Syndrome; Tumor predisposition; Hereditary neoplastic syndrome. Identifiers: Orphanet 140162, MedGen C0027672, MeSH D009386, MONDO:0015356.
Familial cancer of breast. Also called: Hereditary breast cancer; BREAST CANCER, FAMILIAL; hereditary breast carcinoma. Identifiers: Orphanet 227535, MedGen C0346153, MONDO:0016419, OMIM 114480. Disease mechanism: loss of function.
Ataxia-telangiectasia syndrome (AT). Also called: LOUIS-BAR SYNDROME; Cerebello-oculocutaneous telangiectasia; Immunodeficiency with ataxia telangiectasia; Ataxia-telangiectasia, complementation group D; AT, COMPLEMENTATION GROUP C; Ataxia-telangiectasia, complementation group E. Identifiers: Orphanet 100, MedGen C0004135, MONDO:0008840, OMIM 208900.

Allele frequency attached by ClinVar (database versions not stated): gnomAD 0.00003.
gnomAD v4.1: 2 of 1,610,788 alleles (0.00012%); no homozygotes.

Submissions (3):

Labcorp Genetics (formerly Invitae), Labcorp
Classification: Uncertain significance for Ataxia-telangiectasia syndrome. Last evaluated: 2025-07-03. Review status: criteria provided, single submitter. Criteria: Invitae Variant Classification Sherloc (09022015). Collection method: clinical testing. Allele origin: germline.
Comment: This sequence change falls in intron 42 of the ATM gene. It does not directly change the encoded amino acid sequence of the ATM protein. It affects a nucleotide within the consensus splice site. This variant is present in population databases (no rsID available, gnomAD 0.007%). This variant has not been reported in the literature in individuals affected with ATM-related conditions. ClinVar contains an entry for this variant (Variation ID: 481282). Variants that disrupt the consensus splice site are a relatively common cause of aberrant splicing (PMID: 17576681, 9536098). RNA analysis provides insufficient evidence to determine the effect of this variant on ATM splicing (internal data). In summary, the available evidence is currently insufficient to determine the role of this variant in disease. Therefore, it has been classified as a Variant of Uncertain Significance.

Ambry Genetics
Classification: Uncertain significance for Hereditary cancer-predisposing syndrome. Last evaluated: 2024-09-11. Review status: criteria provided, single submitter. Criteria: Ambry Variant Classification Scheme 2023. Collection method: clinical testing. Allele origin: germline.
Comment: The c.6199-3T>C intronic variant results from a T to C substitution 3 nucleotides upstream from coding exon 42 in the ATM gene. This nucleotide position is poorly conserved in available vertebrate species. In silico splice site analysis predicts that this alteration will not have any significant effect on splicing. Based on the available evidence, the clinical significance of this variant remains unclear.

Myriad Genetics, Inc.
Classification: Likely benign for Familial cancer of breast. Last evaluated: 2024-06-05. Review status: criteria provided, single submitter. Criteria: Myriad Autosomal Dominant, Autosomal Recessive and X-Linked Classification Criteria (2023). Collection method: clinical testing. Allele origin: unknown.
Comment: This variant is considered likely benign. This variant is intronic and is not expected to impact mRNA splicing.

Literature cited by the submitters: PubMed 17576681 (cited by Labcorp Genetics (formerly Invitae), Labcorp); PubMed 9536098 (cited by Labcorp Genetics (formerly Invitae), Labcorp).

NM_000051.4(ATM):c.6199-3T>C

Genes: ATM (ATM serine/threonine kinase; plus strand), C11orf65 (chromosome 11 open reading frame 65; minus strand). Cytogenetic location: 11q22.3.
Variant type: single nucleotide variant.
Coding change: c.6199-3T>C on transcript NM_000051.4 (MANE Select); 3 bases into the intron before coding-DNA position 6199, T replaced by C.
Molecular consequence: intron variant.
Genome position (GRCh38, 1-based): chr11:108,317,370, T>C. VCF-style: chr11-108317370-T-C. GRCh37 (hg19) VCF-style: chr11-108188097-T-C.
Other names: c.6199-3T>C (NM_001351834.2); c.641-8299A>G (NM_001330368.2); c.*39-8299A>G (NM_001351110.2).
Identifiers: ClinVar variation 481282 (VCV000481282.16), dbSNP rs1318760213, ClinGen allele CA601724935.
Genomic context (GRCh38, chr11:108,317,370, plus strand): 5'-TTCTCTGGTTTTCTGTTGATATCTTTGATTACTTAACTTAAAAACAAAATAACTCCTGTT[T>C]AGGCCTTGCAGAATTTGGGACTCTGCCATATTCTTTCCGTCTATTTAAAAGGATTGGATT-3'